The following is an entry in ClinVar:

NM_004530.6(MMP2):c.1842C>G (p.Pro614=)

Gene: MMP2 (matrix metallopeptidase 2; plus strand). Cytogenetic location: 16q12.2.
Variant type: single nucleotide variant.
Coding change: c.1842C>G on transcript NM_004530.6 (MANE Select); coding-DNA position 1842, C replaced by G.
Protein change: p.Pro614=; no amino-acid change (proline 614 retained).
Molecular consequence: synonymous variant.
Genome position (GRCh38, 1-based): chr16:55,502,851, C>G. VCF-style: chr16-55502851-C-G. GRCh37 (hg19) VCF-style: chr16-55536763-C-G.
Other names: c.1692C>G, p.Pro564= (NM_001127891.3); c.1614C>G, p.Pro538= (NM_001302508.1, NM_001302509.2, NM_001302510.2).
Identifiers: ClinVar variation 319769 (VCV000319769.16), dbSNP rs11541998, ClinGen allele CA8060594.
Genomic context (GRCh38, chr16:55,502,851, plus strand): 5'-GAAGAAGAAAATGGATCCTGGCTTCCCCAAGCTCATCGCAGATGCCTGGAATGCCATCCC[C>G]GATAACCTGGATGCCGTCGTGGACCTGCAGGGCGGCGGTGAGCCACCCAGGACTGTCTCC-3'
Protein context (NP_004521.1, residues 604-624): KLIADAWNAI[Pro614=]DNLDAVVDLQ

ClinVar aggregate classification (germline): Benign. Review status: criteria provided, multiple submitters, no conflicts (2 of 4 stars). 4 submissions from 4 submitters: Benign (4). Last evaluated 2026-02-02.

Conditions:
Multicentric osteolysis nodulosis arthropathy spectrum. Identifiers: Orphanet 3460, Orphanet 371428, MedGen C1850155, MONDO:0018298.

Allele frequency attached by ClinVar (database versions not stated): gnomAD 0.07433; 1000 Genomes Project 0.03714; ESP Exome Variant Server 0.08102; 1000 Genomes Project 30x 0.03654; TOPMed 0.07141.
gnomAD v4.1: 159,289 of 1,613,442 alleles (9.9%); highest among the groups gnomAD compares: Non-Finnish European, 12%; 8,918 homozygotes.

Submissions (4):

Labcorp Genetics (formerly Invitae), Labcorp
Classification: Benign. Last evaluated: 2026-02-02. Review status: criteria provided, single submitter. Criteria: Invitae Variant Classification Sherloc (09022015). Collection method: clinical testing. Allele origin: germline.

GeneDx
Classification: Benign. Last evaluated: 2021-06-10. Review status: criteria provided, single submitter. Criteria: GeneDx Variant Classification Process June 2021. Collection method: clinical testing. Allele origin: germline. Affected: yes.

Illumina Laboratory Services, Illumina
Classification: Benign for Multicentric osteolysis, nodulosis, and arthropathy. Last evaluated: 2018-01-13. Review status: criteria provided, single submitter. Criteria: ICSL Variant Classification Criteria 13 December 2019. Collection method: clinical testing. Allele origin: germline.
Comment: This variant was observed in the ICSL laboratory as part of a predisposition screen in an ostensibly healthy population. It had not been previously curated by ICSL or reported in the Human Gene Mutation Database (HGMD: prior to June 1st, 2018), and was therefore a candidate for classification through an automated scoring system. Utilizing variant allele frequency, disease prevalence and penetrance estimates, and inheritance mode, an automated score was calculated to assess if this variant is too frequent to cause the disease. Based on the score and internal cut-off values, a variant classified as benign is not then subjected to further curation. The score for this variant resulted in a classification of benign for this disease.

Breakthrough Genomics
Classification: Benign. Review status: criteria provided, single submitter. Criteria: ACMG Guidelines, 2015. Collection method: not provided. Allele origin: germline. Inheritance: Autosomal recessive inheritance. Affected: yes.